The following is an entry in ClinVar:

NM_000492.4(CFTR):c.1913C>A (p.Pro638Gln)

Gene: CFTR (CF transmembrane conductance regulator; plus strand). Cytogenetic location: 7q31.2.
Variant type: single nucleotide variant.
Coding change: c.1913C>A on transcript NM_000492.4 (MANE Select); coding-DNA position 1913, C replaced by A.
Protein change: p.Pro638Gln; replaces proline 638 with glutamine.
Molecular consequence: missense variant.
Genome position (GRCh38, 1-based): chr7:117,592,080, C>A. VCF-style: chr7-117592080-C-A. GRCh37 (hg19) VCF-style: chr7-117232134-C-A.
Other names: short protein forms P638Q.
Identifiers: ClinVar variation 3491715 (VCV003491715.1).

ClinVar aggregate classification (germline): Uncertain significance (1 of 4 stars; one submission).

Conditions:
Cystic fibrosis (CF). Also called: MUCOVISCIDOSIS. Identifiers: Orphanet 586, MedGen C0010674, MONDO:0009061, OMIM 219700. Disease mechanism: loss of function.

Submission:

Ambry Genetics
Classification: Uncertain significance for Cystic fibrosis. Last evaluated: 2024-12-08. Review status: criteria provided, single submitter. Criteria: Ambry Variant Classification Scheme 2023. Collection method: clinical testing. Allele origin: germline.
Comment: The p.P638Q variant (also known as c.1913C>A), located in coding exon 14 of the CFTR gene, results from a C to A substitution at nucleotide position 1913. The proline at codon 638 is replaced by glutamine, an amino acid with similar properties. This amino acid position is conserved. In addition, this alteration is predicted to be deleterious by in silico analysis. Based on the available evidence, the clinical significance of this variant remains unclear.